The following is an entry in ClinVar:

ClinVar aggregate classification (germline): Uncertain significance (1 of 4 stars; one submission).

Allele frequency attached by ClinVar (database versions not stated): gnomAD 0.00001; TOPMed 0.00002.
gnomAD v4.1: 2 of 1,610,070 alleles (0.00012%); highest among the groups gnomAD compares: African/African-American, 0.0027%; no homozygotes.

Submission:

Labcorp Genetics (formerly Invitae), Labcorp
Classification: Uncertain significance. Last evaluated: 2025-03-31. Review status: criteria provided, single submitter. Criteria: Invitae Variant Classification Sherloc (09022015). Collection method: clinical testing. Allele origin: germline.
Comment: This sequence change replaces asparagine, which is neutral and polar, with isoleucine, which is neutral and non-polar, at codon 269 of the GNAT2 protein (p.Asn269Ile). This variant is not present in population databases (gnomAD no frequency). This variant has not been reported in the literature in individuals affected with GNAT2-related conditions. ClinVar contains an entry for this variant (Variation ID: 1051932). Invitae Evidence Modeling of protein sequence and biophysical properties (such as structural, functional, and spatial information, amino acid conservation, physicochemical variation, residue mobility, and thermodynamic stability) indicates that this missense variant is expected to disrupt GNAT2 protein function with a positive predictive value of 80%. In summary, the available evidence is currently insufficient to determine the role of this variant in disease. Therefore, it has been classified as a Variant of Uncertain Significance.

NM_001377295.2(GNAT2):c.806A>T (p.Asn269Ile)

Gene: GNAT2 (G protein subunit alpha transducin 2; minus strand). Cytogenetic location: 1p13.3.
Variant type: single nucleotide variant.
Coding change: c.806A>T on transcript NM_001377295.2 (MANE Select); coding-DNA position 806, A replaced by T.
Protein change: p.Asn269Ile; replaces asparagine 269 with isoleucine.
Molecular consequence: missense variant.
Genome position (GRCh38, 1-based): chr1:109,604,019, T>A on the plus strand (A>T on the coding strand, the complement: GNAT2 is on the minus strand). VCF-style: chr1-109604019-T-A. GRCh37 (hg19) VCF-style: chr1-110146641-T-A.
Other names: c.806A>T, p.Asn269Ile (NM_001379232.1, NM_005272.5); short protein forms N269I.
Identifiers: ClinVar variation 1051932 (VCV001051932.3), dbSNP rs1193859398, ClinGen allele CA341533969.